The following is an entry in ClinVar:

ClinVar aggregate classification (germline): Pathogenic (1 of 4 stars; one submission).

Conditions:
Ehlers-Danlos syndrome, spondylodysplastic type, 2 (EDSSPD2). Also called: Ehlers-Danlos syndrome, progeroid type, 2. Identifiers: Orphanet 536467, Orphanet 75496, MedGen C3809210, MONDO:0014139, OMIM 615349.
Spondyloepimetaphyseal dysplasia with joint laxity (SEMDJL). Identifiers: MedGen C0432243, MONDO:0019675.

Submission:

Labcorp Genetics (formerly Invitae), Labcorp
Classification: Pathogenic for Ehlers-Danlos syndrome, spondylodysplastic type, 2; Spondyloepimetaphyseal dysplasia with joint laxity. Last evaluated: 2025-12-23. Review status: criteria provided, single submitter. Criteria: Invitae Variant Classification Sherloc (09022015). Collection method: clinical testing. Allele origin: germline.
Comment: This variant, c.197_253del, results in the deletion of 19 amino acid(s) of the B3GALT6 protein (p.Ala66_Arg84del), but otherwise preserves the integrity of the reading frame. The frequency data for this variant in the population databases is considered unreliable, as metrics indicate insufficient coverage at this position in the gnomAD database. This variant has been observed in individual(s) with spondylodysplastic Ehlers–Danlos syndrome (PMID: 29931299). It has also been observed to segregate with disease in related individuals. This variant disrupts a region of the B3GALT6 protein in which other variant(s) (p.Pro67Leu) have been determined to be pathogenic (PMID: 23664117, 24766538). This suggests that this is a clinically significant region of the protein, and that variants that disrupt it are likely to be disease-causing. For these reasons, this variant has been classified as Pathogenic.

Literature cited by the submitters: PubMed 29931299; PubMed 23664117; PubMed 24766538.

NM_080605.4(B3GALT6):c.197_253del (p.Ala66_Arg84del)

Gene: B3GALT6 (beta-1,3-galactosyltransferase 6; plus strand). Cytogenetic location: 1p36.33.
Variant type: Deletion.
Coding change: c.197_253del on transcript NM_080605.4 (MANE Select); coding-DNA positions 197 to 253, 57 bases deleted.
Protein change: p.Ala66_Arg84del.
Genome position (GRCh38, 1-based): chr1:1,232,475-1,232,531, 57 bases deleted. GRCh37 (hg19): chr1:1,167,855-1,167,911.
Identifiers: ClinVar variation 4788955 (VCV004788955.1).